The following is an entry in ClinVar:

ClinVar aggregate classification (germline): Uncertain significance. Review status: criteria provided, multiple submitters, no conflicts (2 of 4 stars). 2 submissions from 2 submitters: Uncertain significance (2). Last evaluated 2025-04-17.

Allele frequency attached by ClinVar (database versions not stated): gnomAD exomes 0.00022; gnomAD 0.00018; ExAC 0.00004; TOPMed 0.00018; ESP Exome Variant Server 0.00023.

Submissions (2):

Ambry Genetics
Classification: Uncertain significance. Last evaluated: 2025-04-17. Review status: criteria provided, single submitter. Criteria: Ambry Variant Classification Scheme 2023. Collection method: clinical testing. Allele origin: germline.

Greenwood Genetic Center Diagnostic Laboratories, Greenwood Genetic Center
Classification: Uncertain significance. Last evaluated: 2023-03-29. Review status: criteria provided, single submitter. Criteria: ACMG Guidelines, 2015. Collection method: clinical testing. Allele origin: germline. Affected: yes.
Comment: Gene of Uncertain Significance

NM_032843.5(FIBCD1):c.676C>A (p.Pro226Thr)

Gene: FIBCD1 (fibrinogen C domain containing 1; minus strand). Cytogenetic location: 9q34.12.
Variant type: single nucleotide variant.
Coding change: c.676C>A on transcript NM_032843.5 (MANE Select); coding-DNA position 676, C replaced by A.
Protein change: p.Pro226Thr; replaces proline 226 with threonine.
Molecular consequence: missense variant.
Genome position (GRCh38, 1-based): chr9:130,924,273, G>T on the plus strand (C>A on the coding strand, the complement: FIBCD1 is on the minus strand). VCF-style: chr9-130924273-G-T. GRCh37 (hg19) VCF-style: chr9-133799660-G-T.
Other names: c.676C>A, p.Pro226Thr (NM_001145106.2); short protein forms P226T.
Identifiers: ClinVar variation 2364867 (VCV002364867.4), dbSNP rs200632381, ClinGen allele CA5286460.